The following is an entry in ClinVar:

ClinVar aggregate classification (germline): Uncertain significance (1 of 4 stars; one submission).

Conditions:
Autism spectrum disorder due to AUTS2 deficiency (MRD26). Also called: INTELLECTUAL DEVELOPMENTAL DISORDER, AUTOSOMAL DOMINANT 26. Identifiers: Orphanet 352490, MedGen C4014435, MONDO:0014361, OMIM 615834.

Submission:

Baylor Genetics
Classification: Uncertain significance for Autism spectrum disorder due to AUTS2 deficiency. Last evaluated: 2019-09-06. Review status: criteria provided, single submitter. Criteria: ACMG Guidelines, 2015. Collection method: clinical testing. Allele origin: unknown. Affected: yes.
Comment: This variant was determined to be of uncertain significance according to ACMG Guidelines, 2015 [PMID:25741868].

NM_015570.4(AUTS2):c.146C>T (p.Ala49Val)

Gene: AUTS2 (activator of transcription and developmental regulator AUTS2; plus strand). Cytogenetic location: 7q11.22.
Variant type: single nucleotide variant.
Coding change: c.146C>T on transcript NM_015570.4 (MANE Select); coding-DNA position 146, C replaced by T.
Protein change: p.Ala49Val; replaces alanine 49 with valine.
Molecular consequence: missense variant.
Genome position (GRCh38, 1-based): chr7:69,599,799, C>T. VCF-style: chr7-69599799-C-T. GRCh37 (hg19) VCF-style: chr7-69064785-C-T.
Other names: c.146C>T, p.Ala49Val (NM_001127231.3, NM_001127232.3); short protein forms A49V.
Identifiers: ClinVar variation 1030518 (VCV001030518.1), dbSNP rs1792274277, ClinGen allele CA367702944.
Genomic context (GRCh38, chr7:69,599,799, plus strand): 5'-GGCTGGGGGCCGGCGCGGCCGGCGGCGGCGGGGCTGGCCGGACCCGGGCGCTCTCACTCG[C>T]CTCGTCGTCGGGCTCCGACAAGGAAGACAATGGGAAGCCCCCGTCCTCCGCCCCGTCCCG-3'
Protein context (NP_056385.1, residues 39-59): GAGRTRALSL[Ala49Val]SSSGSDKEDN